The following is an entry in ClinVar:

ClinVar aggregate classification (germline): Uncertain significance (1 of 4 stars; one submission).

Conditions:
Hypertrophic cardiomyopathy 14. Identifiers: MedGen C2750467, MONDO:0013197, OMIM 613251.

Allele frequency attached by ClinVar (database versions not stated): gnomAD exomes below 0.00001 and 0.00001; ExAC 0.00001.
gnomAD v4.1: 13 of 1,614,258 alleles (0.00081%); highest among the groups gnomAD compares: East Asian, 0.0022%; no homozygotes.

Submission:

Labcorp Genetics (formerly Invitae), Labcorp
Classification: Uncertain significance for Hypertrophic cardiomyopathy 14. Last evaluated: 2020-12-18. Review status: criteria provided, single submitter. Criteria: Invitae Variant Classification Sherloc (09022015). Collection method: clinical testing. Allele origin: germline.
Comment: In summary, the available evidence is currently insufficient to determine the role of this variant in disease. Therefore, it has been classified as a Variant of Uncertain Significance. Algorithms developed to predict the effect of missense changes on protein structure and function are either unavailable or do not agree on the potential impact of this missense change (SIFT: "Deleterious"; PolyPhen-2: "Benign"; Align-GVGD: "Class C0"). This variant has not been reported in the literature in individuals with MYH6-related conditions. This variant is present in population databases (rs746698222, ExAC 0.01%). This sequence change replaces isoleucine with valine at codon 458 of the MYH6 protein (p.Ile458Val). The isoleucine residue is weakly conserved and there is a small physicochemical difference between isoleucine and valine.

NM_002471.4(MYH6):c.1372A>G (p.Ile458Val)

Gene: MYH6 (myosin heavy chain 6; minus strand). Cytogenetic location: 14q11.2.
Variant type: single nucleotide variant.
Coding change: c.1372A>G on transcript NM_002471.4 (MANE Select); coding-DNA position 1372, A replaced by G.
Protein change: p.Ile458Val; replaces isoleucine 458 with valine.
Molecular consequence: missense variant.
Genome position (GRCh38, 1-based): chr14:23,400,747, T>C on the plus strand (A>G on the coding strand, the complement: MYH6 is on the minus strand). VCF-style: chr14-23400747-T-C. GRCh37 (hg19) VCF-style: chr14-23869956-T-C.
Other names: short protein forms I458V.
Identifiers: ClinVar variation 1426047 (VCV001426047.8), dbSNP rs746698222, ClinGen allele CA7115829.
Genomic context (GRCh38, chr14:23,400,747, plus strand): 5'-ACTCCCAGGGGTCCCAACTCACGTCGAAGATCTCGAAGCCAGCGATGTCCAGGACTCCTA[T>C]GAAGTACTGGCGTGGCTGCTTGGTCTCCAGGGTGGCGTTGATGCGCGTCACCATCCAGTT-3'
Protein context (NP_002462.2, residues 448-468): LETKQPRQYF[Ile458Val]GVLDIAGFEI